The following is an entry in ClinVar:

ClinVar aggregate classification (germline): Likely pathogenic. Review status: reviewed by expert panel (3 of 4 stars). 8 submissions from 8 submitters: Likely pathogenic (1). 7 of the submissions do not count toward it. Last evaluated 2023-11-16.

Conditions:
MASS syndrome (OCTD). Also called: OVERLAP CONNECTIVE TISSUE DISEASE; MASS PHENOTYPE. Identifiers: MedGen C1858556, MONDO:0011431, OMIM 604308.
Progeroid and marfanoid aspect-lipodystrophy syndrome. Also called: MARFANOID-PROGEROID SYNDROME; MARFAN-PROGEROID-LIPODYSTROPHY SYNDROME; Marfan lipodystrophy syndrome; MARFANOID-PROGEROID-LIPODYSTROPHY SYNDROME. Identifiers: Orphanet 300382, MedGen C4310796, MONDO:0014831, OMIM 616914.
Ectopia lentis 1, isolated, autosomal dominant (ECTOL1). Identifiers: Orphanet 1885, MedGen C3541518, MONDO:0007514, OMIM 129600.
Weill-Marchesani syndrome 2, dominant. Also called: Weill-Marchesani Syndrome, Autosomal Dominant; FBN1-Related Weill-Marchesani Syndrome. Identifiers: Orphanet 2084, MedGen C1869115, MONDO:0012013, OMIM 608328.
Acromicric dysplasia (ACMICD). Also called: Acromicric skeletal dysplasia. Identifiers: Orphanet 969, MedGen C0265287, MONDO:0007055, OMIM 102370.
Geleophysic dysplasia 2 (GPHYSD2). Identifiers: Orphanet 2623, MedGen C3280054, MONDO:0013612, OMIM 614185.
Stiff skin syndrome (SSKS). Identifiers: Orphanet 2833, MedGen C1861456, MONDO:0008492, OMIM 184900.
Marfan syndrome (MFS). Also called: Marfan syndrome type 1; Marfan syndrome, classic; Marfan's syndrome; FBN1-Related Marfan Syndrome; MARFAN SYNDROME, TYPE I. Identifiers: Orphanet 284963, Orphanet 558, MedGen C0024796, MONDO:0007947, OMIM 154700.
Familial thoracic aortic aneurysm and aortic dissection (TAAD). Also called: Thoracic aortic aneurysms and dissections. Identifiers: Orphanet 91387, MedGen C4707243, MONDO:0019625.
FBN1-related disorder. Also called: FBN1-related disorders.

Allele frequency attached by ClinVar (database versions not stated): gnomAD exomes below 0.00001.
gnomAD v4.1: 4 of 1,613,996 alleles (0.00025%); highest among the groups gnomAD compares: Middle Eastern, 0.016%; no homozygotes.

Submissions (8):

ClinGen FBN1 Variant Curation Expert Panel, ClinGen
Classification: Likely pathogenic for Marfan syndrome. Last evaluated: 2023-11-16. Review status: reviewed by expert panel. Criteria: Assertion Criteria VCEP FBN1 Version 1. Collection method: curation. Allele origin: germline. Inheritance: Autosomal dominant inheritance.
Comment: NM_000138.5(FBN1):c.1390C>T (p.Arg464Cys) NM_00138 c.1390C>T is a missense variant in FBN1 predicted to cause a substitution of an arginine by cysteine at amino acid 464 (p.Arg464Cys). This variant has been found in two probands including one with bilateral ectopia lentis (EL) and thoracic aortic aneurysm and dissection (TAAD), and one with isolated EL (PP4, PS4_supporting; Invitae & UZG internal data, ClinVar Variation ID: 549013). The variant segregates with features of Marfan syndrome in at least two affected family members (PP1; Invitae internal data). This variant is present in gnomAD v2.1.1 (1/34578 [0.003%] Latino/Admixed American alleles). This variant introduces a novel cysteine residue which may impede the normal formation of critical disulfide bridges (PM1). Computational prediction tools and conservation analysis are unclear about the predicted impact of this variant on the protein’s structure or function (PP3). The constraint z-score for missense variants affecting FBN1 is 5.06 (PP2). In summary, this variant meets criteria to be classified as likely pathogenic for Marfan syndrome based o the ACMG/AMP criteria applied, as specified by the ClinGen FBN1 VCEP: PM1, PS4_supporting, PP1, PP2, PP4.

Ambry Genetics
Classification: Uncertain significance for Familial thoracic aortic aneurysm and aortic dissection. Last evaluated: 2026-01-13. Review status: criteria provided, single submitter. Criteria: Ambry Variant Classification Scheme 2023. Collection method: clinical testing. Allele origin: germline. Not counted in ClinVar's aggregate classification.
Comment: The c.1390C>T (p.R464C) alteration is located in exon 12 (coding exon 11) of the FBN1 gene. This alteration results from a C to T substitution at nucleotide position 1390, causing the arginine (R) at amino acid position 464 to be replaced by a cysteine (C). Based on data from gnomAD, the T allele has an overall frequency of <0.001% (1/251246) total alleles studied. The highest observed frequency was 0.003% (1/34578) of Latino alleles. This variant was reported in individual(s) with features consistent with Marfan syndrome (external communication). This amino acid position is well conserved in available vertebrate species. The majority of FBN1 mutations identified to date have involved the substitution or generation of cysteine residues within cbEGF domains (Vollbrandt, 2004). This alteration is predicted to be deleterious by in silico analysis. Based on insufficient or conflicting evidence, the clinical significance of this alteration remains unclear.

GeneDx
Classification: Likely pathogenic. Last evaluated: 2025-10-09. Review status: criteria provided, single submitter. Criteria: GeneDx Variant Classification Process June 2021. Collection method: clinical testing. Allele origin: germline. Not counted in ClinVar's aggregate classification.
Comment: Introduces a new cysteine residue within an EGF-like domain of the FBN1 gene, which may affect disulfide bonding and is predicted to alter the structure and function of the protein; cysteine substitutions in the EGF-like domains represent the majority of pathogenic missense changes associated with FBN1-related disorders (PMID: 12938084); Not observed at significant frequency in large population cohorts (gnomAD); In silico analysis supports that this missense variant has a deleterious effect on protein structure/function; Has not been previously published as pathogenic or benign to our knowledge; This variant is associated with the following publications: (PMID: 12938084)

Labcorp Genetics (formerly Invitae), Labcorp
Classification: Likely pathogenic for Marfan syndrome; Familial thoracic aortic aneurysm and aortic dissection. Last evaluated: 2025-06-09. Review status: criteria provided, single submitter. Criteria: Invitae Variant Classification Sherloc (09022015). Collection method: clinical testing. Allele origin: germline. Not counted in ClinVar's aggregate classification.
Comment: This sequence change replaces arginine, which is basic and polar, with cysteine, which is neutral and slightly polar, at codon 464 of the FBN1 protein (p.Arg464Cys). The frequency data for this variant in the population databases is considered unreliable, as metrics indicate poor data quality at this position in the gnomAD database. This missense change has been observed in individuals with clinical features of Marfan syndrome (internal data). It has also been observed to segregate with disease in related individuals. ClinVar contains an entry for this variant (Variation ID: 549013). Invitae Evidence Modeling of protein sequence and biophysical properties (such as structural, functional, and spatial information, amino acid conservation, physicochemical variation, residue mobility, and thermodynamic stability) indicates that this missense variant is expected to disrupt FBN1 protein function with a positive predictive value of 95%. In summary, the currently available evidence indicates that the variant is pathogenic, but additional data are needed to prove that conclusively. Therefore, this variant has been classified as Likely Pathogenic.

Women's Health and Genetics/Laboratory Corporation of America, LabCorp
Classification: Uncertain significance. Last evaluated: 2025-04-07. Review status: criteria provided, single submitter. Criteria: LabCorp Variant Classification Summary - May 2015. Collection method: clinical testing. Allele origin: germline. Not counted in ClinVar's aggregate classification.
Comment: Variant summary: FBN1 c.1390C>T (p.Arg464Cys) results in a non-conservative amino acid change located in the EGF-like domain (IPR000742) of the encoded protein sequence. Four of five in-silico tools predict a damaging effect of the variant on protein function. The variant allele was found at a frequency of 4e-06 in 251246 control chromosomes. The available data on variant occurrences in the general population are insufficient to allow any conclusion about variant significance. To our knowledge, no occurrence of c.1390C>T in individuals affected with Marfan Syndrome and no experimental evidence demonstrating its impact on protein function have been reported. ClinVar contains an entry for this variant (Variation ID: 549013). Based on the evidence outlined above, the variant was classified as uncertain significance.

PreventionGenetics, part of Exact Sciences
Classification: Likely pathogenic for FBN1-related condition. Last evaluated: 2025-02-07. Review status: criteria provided, single submitter. Criteria: ACMG Guidelines, 2015. Collection method: clinical testing. Allele origin: germline. Not counted in ClinVar's aggregate classification.
Comment: The FBN1 c.1390C>T variant is predicted to result in the amino acid substitution p.Arg464Cys. To our knowledge, this variant has not been reported in the literature. This variant is reported in 0.0029% of alleles in individuals of Latino descent in gnomAD. This variant is interpreted as likely pathogenic by ClinGen FBN1 Variant Curation Expert Panel, which referenced internal data of two unrelated affected individuals with supporting segregation studies (ClinVar ID: 549013). FBN1 missense variants that create or destroy a cysteine residue are well-documented in individuals with Marfan syndrome (GeneReviews, Dietz et al. 2022. PubMed ID: 20301510; Drackley et al. 2024. PubMed ID: 39741318). Taken together, this variant is interpreted as likely pathogenic.

Fulgent Genetics
Classification: Uncertain significance for Acromicric dysplasia; Ectopia lentis 1, isolated, autosomal dominant; Marfan syndrome; Stiff skin syndrome; MASS syndrome; Weill-Marchesani syndrome 2, dominant; Geleophysic dysplasia 2; Progeroid and marfanoid aspect-lipodystrophy syndrome. Last evaluated: 2022-04-06. Review status: criteria provided, single submitter. Criteria: ACMG Guidelines, 2015. Collection method: clinical testing. Allele origin: unknown. Not counted in ClinVar's aggregate classification.

Center for Medical Genetics Ghent, University of Ghent
Classification: Likely pathogenic for Marfan syndrome. Last evaluated: 2017-11-07. Review status: no assertion criteria provided. Collection method: clinical testing. Allele origin: germline. Affected: yes. Not counted in ClinVar's aggregate classification.

Literature cited by the submitters: PubMed 15161917 (cited by Ambry Genetics).

NM_000138.5(FBN1):c.1390C>T (p.Arg464Cys)

Gene: FBN1 (fibrillin 1; minus strand). Cytogenetic location: 15q21.1.
Variant type: single nucleotide variant.
Coding change: c.1390C>T on transcript NM_000138.5 (MANE Select); coding-DNA position 1390, C replaced by T.
Protein change: p.Arg464Cys; replaces arginine 464 with cysteine.
Molecular consequence: missense variant.
Genome position (GRCh38, 1-based): chr15:48,515,465, G>A on the plus strand (C>T on the coding strand, the complement: FBN1 is on the minus strand). VCF-style: chr15-48515465-G-A. GRCh37 (hg19) VCF-style: chr15-48807662-G-A.
Other names: NM_000138.5(FBN1):c.1390C>T; p.Arg464Cys; short protein forms R464C.
Identifiers: ClinVar variation 549013 (VCV000549013.21), dbSNP rs587782943, ClinGen allele CA269559072.